The following is an entry in ClinVar:

ClinVar aggregate classification (germline): Uncertain significance (1 of 4 stars; one submission).

gnomAD v4.1: 3 of 1,603,606 alleles (0.00019%); highest among the groups gnomAD compares: Admixed American, 0.0017%; no homozygotes.

Submission:

Labcorp Genetics (formerly Invitae), Labcorp
Classification: Uncertain significance. Last evaluated: 2024-07-06. Review status: criteria provided, single submitter. Criteria: Invitae Variant Classification Sherloc (09022015). Collection method: clinical testing. Allele origin: germline.
Comment: This sequence change replaces threonine, which is neutral and polar, with isoleucine, which is neutral and non-polar, at codon 463 of the IFT88 protein (p.Thr463Ile). This variant is not present in population databases (gnomAD no frequency). This variant has not been reported in the literature in individuals affected with IFT88-related conditions. An algorithm developed to predict the effect of missense changes on protein structure and function (PolyPhen-2) suggests that this variant is likely to be disruptive. In summary, the available evidence is currently insufficient to determine the role of this variant in disease. Therefore, it has been classified as a Variant of Uncertain Significance.

NM_006531.5(IFT88):c.1361C>T (p.Thr454Ile)

Gene: IFT88 (intraflagellar transport 88; plus strand). Cytogenetic location: 13q12.11.
Variant type: single nucleotide variant.
Coding change: c.1361C>T on transcript NM_006531.5 (MANE Select); coding-DNA position 1361, C replaced by T.
Protein change: p.Thr454Ile; replaces threonine 454 with isoleucine.
Molecular consequence: missense variant. On other transcripts: non-coding transcript variant (5).
Genome position (GRCh38, 1-based): chr13:20,631,077, C>T. VCF-style: chr13-20631077-C-T. GRCh37 (hg19) VCF-style: chr13-21205216-C-T.
Other names: c.1361C>T, p.Thr454Ile (NM_001353568.2, NM_001353572.2); c.1286C>T, p.Thr429Ile (NM_001353569.2, NM_001353570.2, NM_001353576.2 and 1 more transcripts); c.1259C>T, p.Thr420Ile (NM_001353571.2, NM_001353578.2); c.1217C>T, p.Thr406Ile (NM_001353573.2); c.1202C>T, p.Thr401Ile (NM_001353574.2); c.1304C>T, p.Thr435Ile (NM_001353575.2, NM_001318491.2); c.1388C>T, p.Thr463Ile (NM_001318493.2, NM_001353565.2, NM_001353566.2 and 2 more transcripts); c.728C>T, p.Thr243Ile (NM_001353579.2); short protein forms T243I, T401I, T406I, T420I, T429I, T435I, T454I, T463I.
Identifiers: ClinVar variation 3613354 (VCV003613354.2).
Genomic context (GRCh38, chr13:20,631,077, plus strand): 5'-CTGTAGAGATCTTAAAAGTGTTGGAAAAAAAGGACAGTAGAGTGAAAAGTGCAGCTGCAA[C>T]CAATCTCTCAGCCCTGTATTATATGGTAAGTTTTTTTACTACTAAGAGTTAATCATATGC-3'
Protein context (NP_006522.2, residues 444-464): KDSRVKSAAA[Thr454Ile]NLSALYYMGK